The following is an entry in ClinVar:

ClinVar aggregate classification (germline): Conflicting classifications of pathogenicity. Review status: criteria provided, conflicting classifications (1 of 4 stars). 10 submissions from 10 submitters: Uncertain significance (9); Benign (1). Last evaluated 2026-04-02.

Conditions:
Hereditary nonpolyposis colorectal neoplasms. Identifiers: MedGen C0009405, MeSH D003123.
Hereditary cancer-predisposing syndrome. Also called: Hereditary neoplastic syndrome; Neoplastic Syndromes, Hereditary; Tumor predisposition; Hereditary Cancer Syndrome. Identifiers: Orphanet 140162, MedGen C0027672, MeSH D009386, MONDO:0015356.
Lynch syndrome. Identifiers: Orphanet 144, MedGen C4552100, MONDO:0005835. Disease mechanism: loss of function.
Lynch syndrome 4 (LYNCH4). Also called: Colorectal cancer, hereditary nonpolyposis, type 4; Hereditary non-polyposis colorectal cancer, type 4. Identifiers: Orphanet 144, MedGen C1838333, MONDO:0013699, OMIM 614337. Disease mechanism: loss of function.

Allele frequency attached by ClinVar (database versions not stated): gnomAD 0.00001; gnomAD exomes 0.00001 and 0.00002; TOPMed 0.00001; ExAC 0.00002.
gnomAD v4.1: 7 of 1,613,948 alleles (0.00043%); highest among the groups gnomAD compares: Non-Finnish European, 0.00059%; no homozygotes.

Submissions (10):

Dasa
Classification: Uncertain significance. Last evaluated: 2026-04-02. Review status: criteria provided, single submitter. Criteria: DASA Assertion Criteria. Collection method: clinical testing. Allele origin: germline.
Comment: NM_000535.7(PMS2):c.647G>T (p.Cys216Phe) is a missense variant that results in the substitution of cysteine with phenylalanine. This variant is rare in population databases. The currently available literature and clinical evidence are not sufficient to establish a definitive association between this variant and the reported condition. Therefore, this variant is classified as a variant of uncertain significance.

Labcorp Genetics (formerly Invitae), Labcorp
Classification: Benign for Hereditary nonpolyposis colorectal neoplasms. Last evaluated: 2026-01-15. Review status: criteria provided, single submitter. Criteria: Invitae Variant Classification Sherloc (09022015). Collection method: clinical testing. Allele origin: germline.

GeneDx
Classification: Uncertain significance. Last evaluated: 2025-10-17. Review status: criteria provided, single submitter. Criteria: GeneDx Variant Classification Process June 2021. Collection method: clinical testing. Allele origin: germline. Affected: yes.
Comment: Not observed at significant frequency in large population cohorts (gnomAD); In silico analysis supports that this missense variant has a deleterious effect on protein structure/function; Identified in a pediatric patient with B-cell acute lymphoblastic leukemia (PMID: 26580448); This variant is associated with the following publications: (PMID: 26580448, 11574484)

Color Diagnostics, LLC DBA Color Health
Classification: Uncertain significance for Hereditary cancer-predisposing syndrome. Last evaluated: 2025-07-03. Review status: criteria provided, single submitter. Criteria: ACMG Guidelines, 2015. Collection method: clinical testing. Allele origin: germline.
Comment: This missense variant replaces cysteine with phenylalanine at codon 216 of the PMS2 protein. Computational prediction suggests that this variant may not impact protein structure and function. To our knowledge, functional studies have not been reported for this variant. This variant has not been reported in individuals affected with PMS2-related disorders in the literature. This variant has been identified in 4/251492 chromosomes in the general population by the Genome Aggregation Database (gnomAD). The available evidence is insufficient to determine the role of this variant in disease conclusively. Therefore, this variant is classified as a Variant of Uncertain Significance.

Hema, HEMA – Genetic and Molecular Diagnostic Laboratory
Classification: Uncertain significance for Lynch syndrome. Last evaluated: 2025-02-21. Review status: criteria provided, single submitter. Criteria: HEMA Variant Classification Assertion Criteria. Collection method: clinical testing. Allele origin: germline.
Comment: It is a transversion from cytosine to adenine, resulting in the substitution of cysteine 216 by phenylalanine in the PMS2 protein. PM2_Supporting: Present at very low frequency in gnomAD.

Ambry Genetics
Classification: Uncertain significance for Hereditary cancer-predisposing syndrome. Last evaluated: 2024-05-16. Review status: criteria provided, single submitter. Criteria: Ambry Variant Classification Scheme 2023. Collection method: clinical testing. Allele origin: germline.
Comment: The p.C216F variant (also known as c.647G>T), located in coding exon 6 of the PMS2 gene, results from a G to T substitution at nucleotide position 647. The cysteine at codon 216 is replaced by phenylalanine, an amino acid with highly dissimilar properties. This amino acid position is not well conserved in available vertebrate species. In addition, the in silico prediction for this alteration is inconclusive. Based on the available evidence, the clinical significance of this variant remains unclear.

All of Us Research Program, National Institutes of Health
Classification: Uncertain significance for Lynch syndrome. Last evaluated: 2024-01-11. Review status: criteria provided, single submitter. Criteria: ACMG Guidelines, 2015. Collection method: clinical testing. Allele origin: germline. Inheritance: Autosomal dominant inheritance. Observed: 4 variant alleles, 4 heterozygotes.
Comment: This missense variant replaces cysteine with phenylalanine at codon 216 of the PMS2 protein. Computational prediction tool suggests that this variant may not impact protein structure and function (internally defined REVEL score threshold <= 0.5, PMID: 27666373). Splice site prediction tools suggest that this variant may not impact RNA splicing. To our knowledge, functional studies have not been performed for this variant. This variant has not been reported in individuals affected with hereditary cancer in the literature. This variant has been identified in 4/251492 chromosomes in the general population by the Genome Aggregation Database (gnomAD). The available evidence is insufficient to determine the role of this variant in disease conclusively. Therefore, this variant is classified as a Variant of Uncertain Significance.

This study involves interpretation of variants in research participants for the purpose of population health screening. Participant phenotype was not available at the time of variant classification. Additional details can be found in publication PMID: 35346344, PMCID: PMC8962531

Baylor Genetics
Classification: Uncertain significance for Lynch syndrome 4. Last evaluated: 2023-12-18. Review status: criteria provided, single submitter. Criteria: ACMG Guidelines, 2015. Collection method: clinical testing. Allele origin: unknown.

Women's Health and Genetics/Laboratory Corporation of America, LabCorp
Classification: Uncertain significance. Last evaluated: 2021-04-01. Review status: criteria provided, single submitter. Criteria: LabCorp Variant Classification Summary - May 2015. Collection method: clinical testing. Allele origin: germline.
Comment: Variant summary: PMS2 c.647G>T (p.Cys216Phe) results in a non-conservative amino acid change located in the N-terminal DNA mismatch repair domain (IPR002099) of the encoded protein sequence. Four of five in-silico tools predict a damaging effect of the variant on protein function. The variant allele was found at a frequency of 1.6e-05 in 251492 control chromosomes. The available data on variant occurrences in the general population are insufficient to allow any conclusion about variant significance. c.647G>T has been reported in the literature in a child affected with B-Cell Acute Lymphoblastic Leukemia (Zhang_2015). This report does not provide unequivocal conclusions about association of the variant with Lynch Syndrome. At-least one co-occurrence with another pathogenic variant(s) has been observed at our laboratory (PALB2 c.1317delG, p.Phe440fs), providing supporting evidence for a benign role. To our knowledge, no experimental evidence demonstrating an impact on protein function has been reported. Four clinical diagnostic laboratories have submitted clinical-significance assessments for this variant to ClinVar after 2014 without evidence for independent evaluation. All laboratories classified the variant as uncertain significance. Based on the evidence outlined above, the variant was classified as VUS-possibly benign.

Genetic Services Laboratory, University of Chicago
Classification: Uncertain significance. Last evaluated: 2020-09-15. Review status: criteria provided, single submitter. Criteria: ACMG Guidelines, 2015. Collection method: clinical testing. Allele origin: germline. Affected: no.
Comment: DNA sequence analysis of the PMS2 gene demonstrated a sequence change, c.647G>T, in exon 6 that results in an amino acid change, p.Cys216Phe. This sequence change has been described in the gnomAD database in four individuals with an overall population frequency of 0.002% (dbSNP rs730881908). The p.Cys216Phe change has been reported in one individual with B-cell acute lymphoblastic leukemia (PMID: 26580448). The p.Cys216Phe change affects a poorly conserved amino acid residue located in a domain of the PMS2 protein that is known to be functional. In-silico pathogenicity prediction tools (SIFT, PolyPhen2, Align GVGD, REVEL) provide contradictory results for the p.Cys216Phe substitution. Due to these contrasting evidences and the lack of functional studies, the clinical significance of the p.Cys216Phe change remains unknown at this time.

Literature cited by the submitters: PubMed 26580448 (cited by Women's Health and Genetics/Laboratory Corporation of America, LabCorp).

NM_000535.7(PMS2):c.647G>T (p.Cys216Phe)

Gene: PMS2 (PMS1 homolog 2, mismatch repair system component; minus strand). Cytogenetic location: 7p22.1.
Variant type: single nucleotide variant.
Coding change: c.647G>T on transcript NM_000535.7 (MANE Select); coding-DNA position 647, G replaced by T.
Protein change: p.Cys216Phe; replaces cysteine 216 with phenylalanine.
Molecular consequence: missense variant. On other transcripts: 5 prime UTR variant (2), non-coding transcript variant (1), intron variant (1).
Genome position (GRCh38, 1-based): chr7:5,999,166, C>A on the plus strand (G>T on the coding strand, the complement: PMS2 is on the minus strand). VCF-style: chr7-5999166-C-A. GRCh37 (hg19) VCF-style: chr7-6038797-C-A.
Other names: p.C216F:TGC>TTC; c.242G>T, p.Cys81Phe (NM_001322003.2, NM_001322004.2, NM_001322005.2 and 2 more transcripts); c.647G>T, p.Cys216Phe (NM_001322006.2, NM_001322014.2); c.329G>T, p.Cys110Phe (NM_001322007.2, NM_001322008.2); c.-287G>T (NM_001322011.2, NM_001322012.2); c.338G>T, p.Cys113Phe (NM_001322015.2); c.133-1743G>T (NM_001322013.2); short protein forms C216F, C110F, C113F, C81F.
Identifiers: ClinVar variation 182798 (VCV000182798.36), dbSNP rs730881908, ClinGen allele CA012464.